The following is an entry in ClinVar:

ClinVar aggregate classification (germline): Uncertain significance (1 of 4 stars; one submission).

Conditions:
NF1-related disorder. Also called: NF1-related condition. Identifiers: MedGen CN379171.

Submission:

PreventionGenetics, part of Exact Sciences
Classification: Uncertain significance for NF1-related condition. Last evaluated: 2023-08-07. Review status: criteria provided, single submitter. Criteria: ACMG Guidelines, 2015. Collection method: clinical testing. Allele origin: germline.
Comment: The NF1 c.4118G>C variant is predicted to result in the amino acid substitution p.Cys1373Ser. To our knowledge, this variant has not been reported in the literature or in a large population database, indicating this variant is rare. At this time, the clinical significance of this variant is uncertain due to the absence of conclusive functional and genetic evidence.

NM_001042492.3(NF1):c.4118G>C (p.Cys1373Ser)

Gene: NF1 (neurofibromin 1; plus strand). Cytogenetic location: 17q11.2.
Variant type: single nucleotide variant.
Coding change: c.4118G>C on transcript NM_001042492.3 (MANE Select); coding-DNA position 4118, G replaced by C.
Protein change: p.Cys1373Ser; replaces cysteine 1373 with serine.
Molecular consequence: missense variant. On other transcripts: intron variant (1).
Genome position (GRCh38, 1-based): chr17:31,252,945, G>C. VCF-style: chr17-31252945-G-C. GRCh37 (hg19) VCF-style: chr17-29579963-G-C.
Other names: c.4110+3826G>C (NM_000267.4); short protein forms C1373S.
Identifiers: ClinVar variation 2631268 (VCV002631268.1), dbSNP rs786202990, ClinGen allele CA398995719.